The following is an entry in ClinVar:

NM_000531.6(OTC):c.387-2A>T

Gene: OTC (ornithine transcarbamylase; plus strand). Cytogenetic location: Xp11.4.
Variant type: single nucleotide variant.
Coding change: c.387-2A>T on transcript NM_000531.6 (MANE Select); the canonical splice acceptor site of the intron before coding-DNA position 387, A replaced by T.
Molecular consequence: splice acceptor variant.
Genome position (GRCh38, 1-based): chrX:38,401,273, A>T. VCF-style: chrX-38401273-A-T. GRCh37 (hg19) VCF-style: chrX-38260526-A-T.
Other names: IVS4, A-T, -2; c.387-2A>T (NM_001407092.1).
Identifiers: ClinVar variation 10998 (VCV000010998.7), dbSNP rs66556380, ClinGen allele CA224575.

ClinVar aggregate classification (germline): Pathogenic. Review status: criteria provided, single submitter (1 of 4 stars). 3 submissions from 3 submitters: Pathogenic (1). 2 of the submissions do not count toward it. Last evaluated 2022-10-17.

Conditions:
Ornithine carbamoyltransferase deficiency (OTCD). Also called: ORNITHINE TRANSCARBAMYLASE DEFICIENCY, HYPERAMMONEMIA DUE TO; OTC DEFICIENCY; ORNITHINE TRANSCARBAMYLASE DEFICIENCY; Ornithine Carbamoyltransferase Deficiency Disease. Identifiers: Orphanet 664, MedGen C0268542, MONDO:0010703, OMIM 311250.

Submissions (3):

Labcorp Genetics (formerly Invitae), Labcorp
Classification: Pathogenic for Ornithine carbamoyltransferase deficiency. Last evaluated: 2022-10-17. Review status: criteria provided, single submitter. Criteria: Invitae Variant Classification Sherloc (09022015). Collection method: clinical testing. Allele origin: germline.
Comment: For these reasons, this variant has been classified as Pathogenic. This variant disrupts a region of the OTC protein in which other variant(s) (p.Ser132Tyr) have been determined to be pathogenic (Invitae). This suggests that this is a clinically significant region of the protein, and that variants that disrupt it are likely to be disease-causing. Studies have shown that disruption of this splice site results in the activation of a cryptic splice site in exon 5 (PMID: 2035531). Studies have shown that disruption of this splice site alters OTC gene expression (PMID: 2035531). ClinVar contains an entry for this variant (Variation ID: 10998). Disruption of this splice site has been observed in individuals with ornithine transcarbamylase deficiency (PMID: 2035531, 10946359). This variant is not present in population databases (gnomAD no frequency). This sequence change affects an acceptor splice site in intron 4 of the OTC gene. RNA analysis indicates that disruption of this splice site induces altered splicing and likely results in the loss of 3 amino acid residue(s), but is expected to preserve the integrity of the reading-frame.

OMIM
Classification: Pathogenic for ORNITHINE TRANSCARBAMYLASE DEFICIENCY. Last evaluated: 1991-06-01. Review status: no assertion criteria provided. Collection method: literature only. Allele origin: germline. Not counted in ClinVar's aggregate classification.

GenMed Metabolism Lab
Classification: Pathogenic. Review status: no assertion criteria provided. Collection method: not provided. Allele origin: unknown. Not counted in ClinVar's aggregate classification.
Comment: Neonatal, Acceptor splice site error, skipping first 12 bp of exon 5
ClinVar note: Converted during submission from pathogenic to Pathogenic.

Literature cited by the submitters: PubMed 2035531 (cited by Labcorp Genetics (formerly Invitae), Labcorp and OMIM); PubMed 10946359 (cited by Labcorp Genetics (formerly Invitae), Labcorp).